The following continues an entry in ClinVar:

NM_000059.4(BRCA2):c.8961_8964del (p.Ser2988fs)

Gene: BRCA2. ClinVar aggregate classification (germline): Pathogenic. Pathogenic (1).

Submissions 11 to 19 of 19:

Women's Health and Genetics/Laboratory Corporation of America, LabCorp
Classification: Pathogenic for Hereditary breast ovarian cancer syndrome. Last evaluated: 2021-07-26. Review status: criteria provided, single submitter. Criteria: LabCorp Variant Classification Summary - May 2015. Collection method: clinical testing. Allele origin: germline. Not counted in ClinVar's aggregate classification.
Comment: Variant summary: BRCA2 c.8961_8964delGAGT (p.Ser2988PhefsX12) results in a premature termination codon, predicted to cause a truncation of the encoded protein or absence of the protein due to nonsense mediated decay, which are commonly known mechanisms for disease. Truncations downstream of this position have been classified as pathogenic by our laboratory. The variant was absent in 250792 control chromosomes (gnomAD). c.8961_8964delGAGT has been reported in the literature in multiple individuals affected with Hereditary Breast And Ovarian Cancer Syndrome (Stuppia_2003, Tutt_2010, Rebbeck_2018). These data indicate that the variant is very likely to be associated with disease. To our knowledge, no experimental evidence demonstrating an impact on protein function has been reported. Seven ClinVar submitters (evaluation after 2014), including one expert panel (ENIGMA), cite the variant as pathogenic. Based on the evidence outlined above, the variant was classified as pathogenic.

Color Diagnostics, LLC DBA Color Health
Classification: Pathogenic for Hereditary cancer-predisposing syndrome. Last evaluated: 2021-03-12. Review status: criteria provided, single submitter. Criteria: ACMG Guidelines, 2015. Collection method: clinical testing. Allele origin: germline. Not counted in ClinVar's aggregate classification.
Comment: This variant deletes 4 nucleotides in exon 23 of the BRCA2 gene, creating a frameshift and premature translation stop signal. This variant is expected to result in an absent or non-functional protein product. To our knowledge, functional studies have not been reported for this variant. This variant has been reported in individuals affected with breast/ovarian cancer (PMID: 12872265, 20609467, 27153395, 28664506, 29566657). This variant has not been identified in the general population by the Genome Aggregation Database (gnomAD). Loss of BRCA2 function is a known mechanism of disease. Based on the available evidence, this variant is classified as Pathogenic.

Department of Pathology and Laboratory Medicine, Sinai Health System
Classification: Pathogenic for Hereditary breast ovarian cancer syndrome. Last evaluated: 2016-08-10. Review status: criteria provided, single submitter. Criteria: ACMG Guidelines, 2015. Collection method: clinical testing. Allele origin: germline. Affected: yes. Study: The Canadian Open Genetics Repository (COGR). Not counted in ClinVar's aggregate classification.

Department of Pathology and Laboratory Medicine, Sinai Health System
Classification: Pathogenic for Familial cancer of breast; Breast-ovarian cancer, familial, susceptibility to, 2. Last evaluated: 2016-08-10. Review status: criteria provided, single submitter. Criteria: ACMG Guidelines, 2015. Collection method: clinical testing. Allele origin: germline. Affected: yes. Not counted in ClinVar's aggregate classification.

Consortium of Investigators of Modifiers of BRCA1/2 (CIMBA), c/o University of Cambridge
Classification: Pathogenic for Breast-ovarian cancer, familial, susceptibility to, 2. Last evaluated: 2015-10-02. Review status: criteria provided, single submitter. Criteria: CIMBA Mutation Classification guidelines May 2016. Collection method: clinical testing. Allele origin: germline. Not counted in ClinVar's aggregate classification.

Juno Genomics, Hangzhou Juno Genomics, Inc
Classification: Pathogenic for Fanconi anemia complementation group D1; Wilms tumor 1; Familial cancer of breast; Breast-ovarian cancer, familial, susceptibility to, 2; Glioma susceptibility 3; Medulloblastoma; Pancreatic cancer, susceptibility to, 2; Familial prostate cancer. Review status: criteria provided, single submitter. Criteria: ACMG Guidelines, 2015. Collection method: clinical testing. Allele origin: germline. Not counted in ClinVar's aggregate classification.
Comment: Null variant in a gene where loss of function (LOF) is a known mechanism of disease.;Absent from controls (or at extremely low frequency if recessive) in Genome Aggregation Database.;The prevalence of the variant in affected individuals is significantly increased compared to the prevalence in controls.

Research Molecular Genetics Laboratory, Women's College Hospital, University of Toronto
Classification: Pathogenic for Hereditary breast ovarian cancer syndrome. Last evaluated: 2014-01-31. Review status: no assertion criteria provided. Collection method: research. Allele origin: germline. Affected: yes. Study: The Canadian Open Genetics Repository (COGR). Not counted in ClinVar's aggregate classification.

Sharing Clinical Reports Project (SCRP)
Classification: Pathogenic for Breast-ovarian cancer, familial 2. Last evaluated: 2006-03-24. Review status: no assertion criteria provided. Collection method: clinical testing. Allele origin: germline. Not counted in ClinVar's aggregate classification.

Breast Cancer Information Core (BIC) (BRCA2)
Classification: Pathogenic for Breast-ovarian cancer, familial 2. Last evaluated: 2004-02-20. Review status: no assertion criteria provided. Collection method: clinical testing. Allele origin: germline. Affected: yes. Observed: 2 variant alleles. Not counted in ClinVar's aggregate classification.

Literature cited by the submitters: PubMed 12872265 (cited by 6 submitters); PubMed 22632462 (cited by 3 submitters); PubMed 28664506 (cited by Ambry Genetics and Sema4); PubMed 29446198 (cited by 3 submitters); PubMed 29566657 (cited by Ambry Genetics and Sema4); PubMed 30875412 (cited by Ambry Genetics and Sema4); PubMed 20104584 (cited by Labcorp Genetics (formerly Invitae), Labcorp); PubMed 10923033 (cited by Labcorp Genetics (formerly Invitae), Labcorp); PubMed 33573335 (cited by Quest Diagnostics Nichols Institute San Juan Capistrano and Sema4); PubMed 33471991 (cited by Quest Diagnostics Nichols Institute San Juan Capistrano and Sema4); DOI 10.3389/fgene.2022.834265 (cited by National Health Laboratory Service, Universitas Academic Hospital and University of the Free State); PubMed 17591842 (cited by Women's Health and Genetics/Laboratory Corporation of America, LabCorp); PubMed 24578176 (cited by Women's Health and Genetics/Laboratory Corporation of America, LabCorp); PubMed 20609467 (cited by Women's Health and Genetics/Laboratory Corporation of America, LabCorp).